The following is an entry in ClinVar:

NM_144499.3(GNAT1):c.638G>T (p.Gly213Val)

Gene: GNAT1 (G protein subunit alpha transducin 1; plus strand). Cytogenetic location: 3p21.31.
Variant type: single nucleotide variant.
Coding change: c.638G>T on transcript NM_144499.3 (MANE Select); coding-DNA position 638, G replaced by T.
Protein change: p.Gly213Val; replaces glycine 213 with valine.
Molecular consequence: missense variant.
Genome position (GRCh38, 1-based): chr3:50,194,151, G>T. VCF-style: chr3-50194151-G-T. GRCh37 (hg19) VCF-style: chr3-50231584-G-T.
Other names: c.638G>T, p.Gly213Val (NM_000172.4); short protein forms G213V.
Identifiers: ClinVar variation 1483400 (VCV001483400.8), dbSNP rs538795841, ClinGen allele CA352917027.

ClinVar aggregate classification (germline): Uncertain significance (1 of 4 stars; one submission).

gnomAD v4.1: 19 of 1,614,026 alleles (0.0012%); highest among the groups gnomAD compares: Non-Finnish European, 0.0016%; no homozygotes.

Submission:

Labcorp Genetics (formerly Invitae), Labcorp
Classification: Uncertain significance. Last evaluated: 2022-10-13. Review status: criteria provided, single submitter. Criteria: Invitae Variant Classification Sherloc (09022015). Collection method: clinical testing. Allele origin: germline.
Comment: In summary, the available evidence is currently insufficient to determine the role of this variant in disease. Therefore, it has been classified as a Variant of Uncertain Significance. Advanced modeling of protein sequence and biophysical properties (such as structural, functional, and spatial information, amino acid conservation, physicochemical variation, residue mobility, and thermodynamic stability) performed at Invitae indicates that this missense variant is expected to disrupt GNAT1 protein function. ClinVar contains an entry for this variant (Variation ID: 1483400). This variant has not been reported in the literature in individuals affected with GNAT1-related conditions. The frequency data for this variant in the population databases is considered unreliable, as metrics indicate poor data quality at this position in the gnomAD database. This sequence change replaces glycine, which is neutral and non-polar, with valine, which is neutral and non-polar, at codon 213 of the GNAT1 protein (p.Gly213Val).